The following is an entry in ClinVar:

NM_177438.3(DICER1):c.2545C>T (p.Leu849Phe)

Gene: DICER1 (dicer 1, ribonuclease III; minus strand). Cytogenetic location: 14q32.13.
Variant type: single nucleotide variant.
Coding change: c.2545C>T on transcript NM_177438.3 (MANE Select); coding-DNA position 2545, C replaced by T.
Protein change: p.Leu849Phe; replaces leucine 849 with phenylalanine.
Molecular consequence: missense variant.
Genome position (GRCh38, 1-based): chr14:95,107,985, G>A on the plus strand (C>T on the coding strand, the complement: DICER1 is on the minus strand). VCF-style: chr14-95107985-G-A. GRCh37 (hg19) VCF-style: chr14-95574322-G-A.
Other names: c.2545C>T, p.Leu849Phe (NM_001195573.1, NM_001271282.3, NM_001291628.2 and 1 more transcripts); c.2545C>T (NM_177438.2); short protein forms L849F.
Identifiers: ClinVar variation 1362052 (VCV001362052.8), dbSNP rs2140024800, ClinGen allele CA390881768.

ClinVar aggregate classification (germline): Uncertain significance. Review status: criteria provided, multiple submitters, no conflicts (2 of 4 stars). 2 submissions from 2 submitters: Uncertain significance (2). Last evaluated 2024-09-15.

Conditions:
DICER1-related tumor predisposition. Also called: DICER1 syndrome; DICER1-related pleuropulmonary blastoma cancer predisposition syndrome. Identifiers: Orphanet 284343, MedGen C3839822, MONDO:0100216.
Hereditary cancer-predisposing syndrome. Also called: Hereditary Cancer Syndrome; Hereditary neoplastic syndrome; Tumor predisposition; Neoplastic Syndromes, Hereditary. Identifiers: Orphanet 140162, MedGen C0027672, MeSH D009386, MONDO:0015356.

Submissions (2):

Ambry Genetics
Classification: Uncertain significance for Hereditary cancer-predisposing syndrome. Last evaluated: 2024-09-15. Review status: criteria provided, single submitter. Criteria: Ambry Variant Classification Scheme 2023. Collection method: clinical testing. Allele origin: germline.
Comment: The p.L849F variant (also known as c.2545C>T), located in coding exon 15 of the DICER1 gene, results from a C to T substitution at nucleotide position 2545. The leucine at codon 849 is replaced by phenylalanine, an amino acid with highly similar properties. This amino acid position is conserved. In addition, the in silico prediction for this alteration is inconclusive. Based on the available evidence, the clinical significance of this variant remains unclear.

Labcorp Genetics (formerly Invitae), Labcorp
Classification: Uncertain significance for DICER1-related tumor predisposition. Last evaluated: 2022-10-13. Review status: criteria provided, single submitter. Criteria: Invitae Variant Classification Sherloc (09022015). Collection method: clinical testing. Allele origin: germline.
Comment: This sequence change replaces leucine, which is neutral and non-polar, with phenylalanine, which is neutral and non-polar, at codon 849 of the DICER1 protein (p.Leu849Phe). This variant is not present in population databases (gnomAD no frequency). This variant has not been reported in the literature in individuals affected with DICER1-related conditions. ClinVar contains an entry for this variant (Variation ID: 1362052). Advanced modeling of protein sequence and biophysical properties (such as structural, functional, and spatial information, amino acid conservation, physicochemical variation, residue mobility, and thermodynamic stability) performed at Invitae indicates that this missense variant is not expected to disrupt DICER1 protein function. In summary, the available evidence is currently insufficient to determine the role of this variant in disease. Therefore, it has been classified as a Variant of Uncertain Significance.